The following is an entry in ClinVar:

NM_004517.4(ILK):c.395A>G (p.Tyr132Cys)

Genes: ILK (integrin linked kinase; plus strand), TAF10 (TATA-box binding protein associated factor 10; minus strand). Cytogenetic location: 11p15.4.
Variant type: single nucleotide variant.
Coding change: c.395A>G on transcript NM_004517.4 (MANE Select); coding-DNA position 395, A replaced by G.
Protein change: p.Tyr132Cys; replaces tyrosine 132 with cysteine.
Molecular consequence: missense variant. On other transcripts: 5 prime UTR variant (1), 3 prime UTR variant (1), intron variant (1).
Genome position (GRCh38, 1-based): chr11:6,608,737, A>G. VCF-style: chr11-6608737-A-G. GRCh37 (hg19) VCF-style: chr11-6629967-A-G.
Other names: c.395A>G, p.Tyr132Cys (NM_001014794.3, NM_001014795.3); c.-8A>G (NM_001278442.2); c.*2185T>C (NM_006284.4); c.352-147A>G (NM_001278441.2); short protein forms Y132C.
Identifiers: ClinVar variation 1513609 (VCV001513609.8), dbSNP rs776660725, ClinGen allele CA5858036.

ClinVar aggregate classification (germline): Uncertain significance (1 of 4 stars; one submission).

Conditions:
Primary familial hypertrophic cardiomyopathy (HCM). Identifiers: Orphanet 99739, MedGen C0949658, MeSH D024741, MONDO:0024573. Inheritance: Various modes of inheritance.

Allele frequency attached by ClinVar (database versions not stated): gnomAD exomes below 0.00001; ExAC 0.00001; TOPMed 0.00001.
gnomAD v4.1: 7 of 1,614,150 alleles (0.00043%); highest among the groups gnomAD compares: Non-Finnish European, 0.00059%; no homozygotes.

Submission:

Labcorp Genetics (formerly Invitae), Labcorp
Classification: Uncertain significance for Primary familial hypertrophic cardiomyopathy. Last evaluated: 2024-09-14. Review status: criteria provided, single submitter. Criteria: Invitae Variant Classification Sherloc (09022015). Collection method: clinical testing. Allele origin: germline.
Comment: This sequence change replaces tyrosine, which is neutral and polar, with cysteine, which is neutral and slightly polar, at codon 132 of the ILK protein (p.Tyr132Cys). This variant is present in population databases (rs776660725, gnomAD 0.0009%). This variant has not been reported in the literature in individuals affected with ILK-related conditions. ClinVar contains an entry for this variant (Variation ID: 1513609). An algorithm developed to predict the effect of missense changes on protein structure and function (PolyPhen-2) suggests that this variant is likely to be disruptive. In summary, the available evidence is currently insufficient to determine the role of this variant in disease. Therefore, it has been classified as a Variant of Uncertain Significance.